The following is an entry in ClinVar:

ClinVar aggregate classification (germline): Uncertain significance (1 of 4 stars; one submission).

Submission:

Ambry Genetics
Classification: Uncertain significance. Last evaluated: 2022-06-04. Review status: criteria provided, single submitter. Criteria: Ambry Variant Classification Scheme 2023. Collection method: clinical testing. Allele origin: germline.
Comment: The p.A809S variant (also known as c.2425G>T), located in coding exon 4 of the ALPK2 gene, results from a G to T substitution at nucleotide position 2425. The alanine at codon 809 is replaced by serine, an amino acid with similar properties. This amino acid position is conserved. In addition, this alteration is predicted to be tolerated by in silico analysis. Since supporting evidence is limited at this time, the clinical significance of this alteration remains unclear.

NM_052947.4(ALPK2):c.2425G>T (p.Ala809Ser)

Gene: ALPK2 (alpha kinase 2; minus strand). Cytogenetic location: 18q21.31.
Variant type: single nucleotide variant.
Coding change: c.2425G>T on transcript NM_052947.4 (MANE Select); coding-DNA position 2425, G replaced by T.
Protein change: p.Ala809Ser; replaces alanine 809 with serine.
Molecular consequence: missense variant.
Genome position (GRCh38, 1-based): chr18:58,537,762, C>A on the plus strand (G>T on the coding strand, the complement: ALPK2 is on the minus strand). VCF-style: chr18-58537762-C-A. GRCh37 (hg19) VCF-style: chr18-56204994-C-A.
Other names: short protein forms A809S.
Identifiers: ClinVar variation 1791085 (VCV001791085.2), dbSNP rs2051661831, ClinGen allele CA402570675.